The following is an entry in ClinVar:

NM_024422.6(DSC2):c.1352C>T (p.Ser451Leu)

Gene: DSC2 (desmocollin 2; minus strand). Cytogenetic location: 18q12.1.
Variant type: single nucleotide variant.
Coding change: c.1352C>T on transcript NM_024422.6 (MANE Select); coding-DNA position 1352, C replaced by T.
Protein change: p.Ser451Leu; replaces serine 451 with leucine.
Molecular consequence: missense variant.
Genome position (GRCh38, 1-based): chr18:31,080,264, G>A on the plus strand (C>T on the coding strand, the complement: DSC2 is on the minus strand). VCF-style: chr18-31080264-G-A. GRCh37 (hg19) VCF-style: chr18-28660230-G-A.
Other names: p.S451L:TCA>TTA; c.1352C>T, p.Ser451Leu (NM_004949.5); short protein forms S451L.
Identifiers: ClinVar variation 199767 (VCV000199767.7), dbSNP rs794728068, ClinGen allele CA022460.

ClinVar aggregate classification (germline): Uncertain significance. Review status: criteria provided, multiple submitters, no conflicts (2 of 4 stars). 3 submissions from 3 submitters: Uncertain significance (3). Last evaluated 2025-12-09.

Conditions:
Arrhythmogenic right ventricular dysplasia 11. Also called: Arrhythmogenic right ventricular dysplasia 11 with mild palmoplantar keratoderma and woolly hair; Arrhythmogenic Right Ventricular Dysplasia/Cardiomyopathy11; ARRHYTHMOGENIC RIGHT VENTRICULAR DYSPLASIA, FAMILIAL, 11. Identifiers: MedGen C1864850, MONDO:0012506, OMIM 610476.

Submissions (3):

Labcorp Genetics (formerly Invitae), Labcorp
Classification: Uncertain significance for Arrhythmogenic right ventricular dysplasia 11. Last evaluated: 2025-12-09. Review status: criteria provided, single submitter. Criteria: Invitae Variant Classification Sherloc (09022015). Collection method: clinical testing. Allele origin: germline.
Comment: This sequence change replaces serine, which is neutral and polar, with leucine, which is neutral and non-polar, at codon 451 of the DSC2 protein (p.Ser451Leu). This variant is not present in population databases (gnomAD no frequency). This variant has not been reported in the literature in individuals affected with DSC2-related conditions. ClinVar contains an entry for this variant (Variation ID: 199767). Invitae Evidence Modeling of protein sequence and biophysical properties (such as structural, functional, and spatial information, amino acid conservation, physicochemical variation, residue mobility, and thermodynamic stability) indicates that this missense variant is not expected to disrupt DSC2 protein function with a negative predictive value of 80%. In summary, the available evidence is currently insufficient to determine the role of this variant in disease. Therefore, it has been classified as a Variant of Uncertain Significance.

Stanford Center for Inherited Cardiovascular Disease, Stanford University
Classification: Uncertain significance. Last evaluated: 2015-09-16. Review status: criteria provided, single submitter. Criteria: ACMG Guidelines, 2015. Collection method: provider interpretation. Allele origin: germline.

GeneDx
Classification: Uncertain significance. Last evaluated: 2014-04-07. Review status: criteria provided, single submitter. Criteria: GeneDx Variant Classification (06012015). Collection method: clinical testing. Allele origin: germline. Affected: yes.
Comment: p.Ser451Leu (TCA>TTA): c.1352 C>T in exon 10 of the DSC2 gene (NM_024422.3). A variant of unknown significance has been identified in the DSC2 gene. The S451L variant has not been published as a mutation or as a benign polymorphism to our knowledge. The S451L variant was not observed in approximately 6,500 individuals of European and African American ancestry in the NHLBI Exome Sequencing Project, indicating it is not a common benign variant in these populations. The S451L variant is a non-conservative amino acid substitution, which is likely to impact secondary protein structure as these residues differ in polarity, charge, size and/or other properties. This substitution occurs at a position that is not conserved across species. In silico analysis is inconsistent in its predictions as to whether or not the variant is damaging to the protein structure/function. Furthermore, no missense mutations in nearby residues have been reported in association with ARVC, indicating this region of the protein may be tolerant of change. Therefore, based on the currently available information, it is unclear whether this variant is a pathogenic mutation or a rare benign variant. The variant is found in CARDIOMYOPATHY panel(s).